The following is an entry in ClinVar:

NM_032998.3(DEDD):c.813A>G (p.Ala271=)

Genes: DEDD (death effector domain containing; minus strand), NIT1 (nitrilase 1; plus strand). Cytogenetic location: 1q23.3.
Variant type: single nucleotide variant.
Coding change: c.813A>G on transcript NM_032998.3 (MANE Select); coding-DNA position 813, A replaced by G.
Protein change: p.Ala271=; no amino-acid change (alanine 271 retained).
Molecular consequence: synonymous variant. On other transcripts: intron variant (1).
Genome position (GRCh38, 1-based): chr1:161,122,291, T>C on the plus strand (A>G on the coding strand, the complement: DEDD is on the minus strand). VCF-style: chr1-161122291-T-C. GRCh37 (hg19) VCF-style: chr1-161092081-T-C.
Other names: c.813A>G, p.Ala271= (NM_001039711.2, NM_001039712.2); c.903A>G, p.Ala301= (NM_001330765.2); c.718-1850T>C (NM_001185092.2).
Identifiers: ClinVar variation 4823534 (VCV004823534.4).
Genomic context (GRCh38, chr1:161,122,291, plus strand): 5'-CTTGATGGCTTCATGGCCCACAGCTTGCTTGAGGGAGTCTGTGATGAAGACACCTTTAAG[T>C]GCCTCTAATAAAGAGCCATTGATGTAGTCACGCCAGAATGCATCGAGGTAGGTGAGCTCA-3'
Protein context (NP_127491.1, residues 261-281): RDYINGSLLE[Ala271=]LKGVFITDSL

ClinVar aggregate classification (germline): Likely benign (1 of 4 stars; one submission).

gnomAD v4.1: 2 of 1,614,222 alleles (0.00012%); highest among the groups gnomAD compares: Admixed American, 0.0017%; no homozygotes.

Submission:

CeGaT Center for Human Genetics Tuebingen
Classification: Likely benign. Last evaluated: 2026-03-01. Review status: criteria provided, single submitter. Criteria: CeGaT Center For Human Genetics Tuebingen Variant Classification Criteria Version 2. Collection method: clinical testing. Allele origin: germline. Affected: yes. Observed: 1 variant allele.
Comment: DEDD: BP4, BP7